The following is an entry in ClinVar:

ClinVar aggregate classification (germline): Uncertain significance (1 of 4 stars; one submission).

Submission:

GeneDx
Classification: Uncertain significance. Last evaluated: 2023-05-18. Review status: criteria provided, single submitter. Criteria: GeneDx Variant Classification Process June 2021. Collection method: clinical testing. Allele origin: germline. Affected: yes.
Comment: Not observed at significant frequency in large population cohorts (gnomAD); In silico analysis supports that this missense variant does not alter protein structure/function; Has not been previously published as pathogenic or benign to our knowledge

NM_181458.4(PAX3):c.1057G>T (p.Ala353Ser)

Genes: PAX3 (paired box 3; minus strand), LOC126806529 (CDK7 strongly-dependent group 2 enhancer GRCh37_chr2:223084735-223085934; plus strand). Cytogenetic location: 2q36.1.
Variant type: single nucleotide variant.
Coding change: c.1057G>T on transcript NM_181458.4 (MANE Select); coding-DNA position 1057, G replaced by T.
Protein change: p.Ala353Ser; replaces alanine 353 with serine.
Molecular consequence: missense variant.
Genome position (GRCh38, 1-based): chr2:222,220,256, C>A on the plus strand (G>T on the coding strand, the complement: PAX3 is on the minus strand). VCF-style: chr2-222220256-C-A. GRCh37 (hg19) VCF-style: chr2-223084975-C-A.
Other names: c.1054G>T, p.Ala352Ser (NM_001127366.3); c.1057G>T, p.Ala353Ser (NM_181457.4, NM_181459.4, NM_181460.4 and 1 more transcripts); short protein forms A352S, A353S.
Identifiers: ClinVar variation 3343622 (VCV003343622.1).